The following is an entry in ClinVar:

ClinVar aggregate classification (germline): Pathogenic/Likely pathogenic. Review status: criteria provided, multiple submitters, no conflicts (2 of 4 stars). 3 submissions from 3 submitters: Pathogenic (1); Likely pathogenic (2). Last evaluated 2025-03-04.

Conditions:
Usher syndrome type 1 (USH1). Also called: RETINITIS PIGMENTOSA AND CONGENITAL DEAFNESS. Identifiers: Orphanet 231169, Orphanet 886, MedGen C1568247, MONDO:0010168, OMIM 276900.

Submissions (3):

Natera, Inc.
Classification: Likely pathogenic for Usher syndrome type 1. Last evaluated: 2025-03-04. Review status: criteria provided, single submitter. Criteria: Natera Variant Classification Schema (03/2026). Collection method: clinical testing. Allele origin: germline.
Comment: The c.1142del variant in CDH23 is a frameshift variant predicted to shift the reading frame beginning at codon 381 and leads to a stop codon 2 codons downstream. This variant is expected to result in nonsense mediated decay, truncation, or a dysfunctional protein product. This variant is rare in the general population with a frequency below the threshold expected for the associated phenotype(s). Given the available evidence, this variant is classified as Likely Pathogenic.

Revvity Omics, Revvity
Classification: Pathogenic. Last evaluated: 2020-09-10. Review status: criteria provided, single submitter. Criteria: ACMG Guidelines, 2015. Collection method: clinical testing. Allele origin: germline.

ARUP Laboratories, Molecular Genetics and Genomics, ARUP Laboratories
Classification: Likely pathogenic. Last evaluated: 2018-12-05. Review status: criteria provided, single submitter. Criteria: ARUP Molecular Germline Variant Investigation Process. Collection method: clinical testing. Allele origin: germline.
Comment: The p.Gly381fs variant has not been reported in the medical literature, gene specific variation databases, nor has it been previously identified by our laboratory. The c.1142delG variant creates a frameshift in the CDH23 protein at codon 381 in exon13/70 which results in a premature termination codon and is predicted to result in a truncated or absent protein product. It is absent from general population databases such as 1000 Genomes, NHLBI GO Exome Sequencing Project (ESP), and the Genome Aggregation Database (gnomAD). Altogether this variant is likely to be pathogenic

NC_000010.11:g.71645832del

Gene: CDH23 (cadherin related 23; plus strand). Cytogenetic location: 10q22.1.
Variant type: Deletion.
Genome position: GRCh38 VCF-style: chr10-71645829-AG-A. GRCh37 (hg19) VCF-style: chr10-73405586-AG-A.
Identifiers: ClinVar variation 810981 (VCV000810981.14), dbSNP rs1589292855, ClinGen allele CA915945959.